The following is an entry in ClinVar:

ClinVar aggregate classification (germline): Benign/Likely benign. Review status: criteria provided, multiple submitters, no conflicts (2 of 4 stars). 3 submissions from 3 submitters: Benign (1); Likely benign (2). Last evaluated 2024-09-25.

Submissions (3):

Blueprint Genetics
Classification: Likely benign. Last evaluated: 2024-09-25. Review status: criteria provided, single submitter. Criteria: ACMG Guidelines, 2015. Collection method: clinical testing. Allele origin: germline.

CeGaT Center for Human Genetics Tuebingen
Classification: Likely benign. Last evaluated: 2024-03-01. Review status: criteria provided, single submitter. Criteria: CeGaT Center For Human Genetics Tuebingen Variant Classification Criteria Version 2. Collection method: clinical testing. Allele origin: germline. Affected: yes. Observed: 3 variant alleles.
Comment: CNKSR2: BS2

Labcorp Genetics (formerly Invitae), Labcorp
Classification: Benign. Last evaluated: 2018-04-17. Review status: criteria provided, single submitter. Criteria: Invitae Variant Classification Sherloc (09022015). Collection method: clinical testing. Allele origin: germline.

NM_014927.5(CNKSR2):c.2637GGA[8] (p.Glu886dup)

Gene: CNKSR2 (connector enhancer of kinase suppressor of Ras 2; plus strand). Cytogenetic location: Xp22.12.
Variant type: Microsatellite.
Coding change: c.2637GGA[8] on transcript NM_014927.5 (MANE Select); eight copies in a row of the 3-base unit GGA starting at c.2637; the reference has seven copies in a row; one copy, 3 bases duplicated.
Protein change: p.Glu886dup; duplicates glutamic acid 886.
Molecular consequence: inframe insertion.
Genome position (GRCh38, 1-based): chrX:21,609,580-21,609,582, GGA duplicated; duplicating any 3 consecutive bases within chrX:21,609,560-21,609,582 gives the same sequence; the position shown is the placement nearest the transcript's 3' end. VCF-style (leftmost placement, unchanged base first): chrX-21609559-A-AGAG. GRCh37 (hg19) VCF-style: chrX-21627677-A-AGAG.
Other names: c.2547GGA[8], p.Glu856dup (NM_001168647.3, NM_001330773.2); c.2637GGA[8], p.Glu886dup (NM_001168648.3); c.2490GGA[8], p.Glu837dup (NM_001168649.3, NM_001330770.2); c.2400GGA[8], p.Glu807dup (NM_001330771.2, NM_001330772.2).
Identifiers: ClinVar variation 739392 (VCV000739392.28), dbSNP rs770084913, ClinGen allele CA10366793.